The following is an entry in ClinVar:

NM_016219.5(MAN1B1):c.1765-20G>C

Gene: MAN1B1 (mannosidase alpha class 1B member 1; plus strand). Cytogenetic location: 9q34.3.
Variant type: single nucleotide variant.
Coding change: c.1765-20G>C on transcript NM_016219.5 (MANE Select); 20 bases into the intron before coding-DNA position 1765, G replaced by C.
Molecular consequence: intron variant.
Genome position (GRCh38, 1-based): chr9:137,107,511, G>C. VCF-style: chr9-137107511-G-C. GRCh37 (hg19) VCF-style: chr9-140001963-G-C.
Identifiers: ClinVar variation 1030544 (VCV001030544.2), dbSNP rs1225685090, ClinGen allele CA467849485.

ClinVar aggregate classification (germline): Conflicting classifications of pathogenicity. Review status: criteria provided, conflicting classifications (1 of 4 stars). 2 submissions from 2 submitters: Uncertain significance (1); Likely benign (1). Last evaluated 2025-09-10.

Conditions:
Rafiq syndrome (RAFQS). Identifiers: Orphanet 88616, MedGen C3280127, MONDO:0013624, OMIM 614202.

Allele frequency attached by ClinVar (database versions not stated): gnomAD exomes below 0.00001 and 0.00001; TOPMed 0.00001.
gnomAD v4.1: 6 of 1,612,954 alleles (0.00037%); highest among the groups gnomAD compares: African/African-American, 0.0027%; no homozygotes.

Submissions (2):

Labcorp Genetics (formerly Invitae), Labcorp
Classification: Likely benign for Rafiq syndrome. Last evaluated: 2025-09-10. Review status: criteria provided, single submitter. Criteria: Invitae Variant Classification Sherloc (09022015). Collection method: clinical testing. Allele origin: germline.

Baylor Genetics
Classification: Uncertain significance for Rafiq syndrome. Last evaluated: 2020-07-27. Review status: criteria provided, single submitter. Criteria: ACMG Guidelines, 2015. Collection method: clinical testing. Allele origin: unknown. Affected: yes.
Comment: This variant was determined to be of uncertain significance according to ACMG Guidelines, 2015 [PMID:25741868].